The following is an entry in ClinVar:

ClinVar aggregate classification (germline): Pathogenic/Likely pathogenic. Review status: criteria provided, multiple submitters, no conflicts (2 of 4 stars). 2 submissions from 2 submitters: Pathogenic (1); Likely pathogenic (1). Last evaluated 2022-07-25.

Conditions:
TRPM1-related disorder. Also called: TRPM1-related condition.

Submissions (2):

Labcorp Genetics (formerly Invitae), Labcorp
Classification: Pathogenic. Last evaluated: 2022-07-25. Review status: criteria provided, single submitter. Criteria: Invitae Variant Classification Sherloc (09022015). Collection method: clinical testing. Allele origin: germline.
Comment: This variant is present in population databases (rs777916333, gnomAD 0.07%). This sequence change creates a premature translational stop signal (p.Asp91Ilefs*10) in the TRPM1 gene. It is expected to result in an absent or disrupted protein product. Loss-of-function variants in TRPM1 are known to be pathogenic (PMID: 19896113, 19966281, 20300565). This variant has not been reported in the literature in individuals affected with TRPM1-related conditions. ClinVar contains an entry for this variant (Variation ID: 1431480). For these reasons, this variant has been classified as Pathogenic.

Blueprint Genetics
Classification: Likely pathogenic for TRPM1-related disorders. Last evaluated: 2019-10-25. Review status: criteria provided, single submitter. Criteria: ACMG Guidelines, 2015. Collection method: clinical testing. Allele origin: germline. Affected: yes. Observed: 1 variant allele.

Literature cited by the submitters: PubMed 19896113 (cited by Labcorp Genetics (formerly Invitae), Labcorp); PubMed 19966281 (cited by Labcorp Genetics (formerly Invitae), Labcorp); PubMed 20300565 (cited by Labcorp Genetics (formerly Invitae), Labcorp).

NM_001252024.2(TRPM1):c.336del (p.Asp113fs)

Gene: TRPM1 (transient receptor potential cation channel subfamily M member 1; minus strand). Cytogenetic location: 15q13.3.
Variant type: Deletion.
Coding change: c.336del on transcript NM_001252024.2 (MANE Select); coding-DNA position 336, one base deleted (A; older notation c.336delA).
Protein change: p.Asp113fs; shifts the reading frame from aspartic acid 113.
Molecular consequence: frameshift variant.
Genome position (GRCh38, 1-based): chr15:31,068,036, T deleted on the plus strand (A on the coding strand, the reverse complement: TRPM1 is on the minus strand); the first of 3 consecutive T bases (chr15:31,068,036-31,068,038); deleting any one gives the same sequence. VCF-style (leftmost placement, unchanged base first): chr15-31068035-CT-C. GRCh37 (hg19) VCF-style: chr15-31360238-CT-C.
Other names: c.387del, p.Asp130fs (NM_001252020.2); c.270del, p.Asp91fs (NM_002420.6); short protein forms D113fs, D130fs, D91fs.
Identifiers: ClinVar variation 1431480 (VCV001431480.6), dbSNP rs777916333, ClinGen allele CA7452971.